The following is an entry in ClinVar:

NM_001845.6(COL4A1):c.2242C>T (p.Pro748Ser)

Gene: COL4A1 (collagen type IV alpha 1 chain; minus strand). Cytogenetic location: 13q34.
Variant type: single nucleotide variant.
Coding change: c.2242C>T on transcript NM_001845.6 (MANE Select); coding-DNA position 2242, C replaced by T.
Protein change: p.Pro748Ser; replaces proline 748 with serine.
Molecular consequence: missense variant.
Genome position (GRCh38, 1-based): chr13:110,179,373, G>A on the plus strand (C>T on the coding strand, the complement: COL4A1 is on the minus strand). VCF-style: chr13-110179373-G-A. GRCh37 (hg19) VCF-style: chr13-110831720-G-A.
Other names: short protein forms P748S.
Identifiers: ClinVar variation 2120454 (VCV002120454.4), dbSNP rs2501783672, ClinGen allele CA388668724.

ClinVar aggregate classification (germline): Uncertain significance (1 of 4 stars; one submission).

gnomAD v4.1: 6 of 1,614,096 alleles (0.00037%); highest among the groups gnomAD compares: Non-Finnish European, 0.00051%; no homozygotes.

Submission:

Labcorp Genetics (formerly Invitae), Labcorp
Classification: Uncertain significance. Last evaluated: 2025-04-28. Review status: criteria provided, single submitter. Criteria: Invitae Variant Classification Sherloc (09022015). Collection method: clinical testing. Allele origin: germline.
Comment: This sequence change replaces proline, which is neutral and non-polar, with serine, which is neutral and polar, at codon 748 of the COL4A1 protein (p.Pro748Ser). This variant is not present in population databases (gnomAD no frequency). This variant has not been reported in the literature in individuals affected with COL4A1-related conditions. ClinVar contains an entry for this variant (Variation ID: 2120454). Invitae Evidence Modeling of protein sequence and biophysical properties (such as structural, functional, and spatial information, amino acid conservation, physicochemical variation, residue mobility, and thermodynamic stability) indicates that this missense variant is not expected to disrupt COL4A1 protein function with a negative predictive value of 95%. In summary, the available evidence is currently insufficient to determine the role of this variant in disease. Therefore, it has been classified as a Variant of Uncertain Significance.